The following is an entry in ClinVar:

ClinVar aggregate classification (germline): Uncertain significance (1 of 4 stars; one submission).

Allele frequency attached by ClinVar (database versions not stated): ExAC 0.00002; gnomAD 0.00002; gnomAD exomes 0.00002; TOPMed 0.00002; ESP Exome Variant Server 0.00008.
gnomAD v4.1: 31 of 1,614,026 alleles (0.0019%); highest among the groups gnomAD compares: Admixed American, 0.0033%; no homozygotes.

Submission:

Labcorp Genetics (formerly Invitae), Labcorp
Classification: Uncertain significance. Last evaluated: 2021-08-19. Review status: criteria provided, single submitter. Criteria: Invitae Variant Classification Sherloc (09022015). Collection method: clinical testing. Allele origin: germline.
Comment: This sequence change replaces serine with leucine at codon 244 of the PIGV protein (p.Ser244Leu). The serine residue is moderately conserved and there is a large physicochemical difference between serine and leucine. This variant is present in population databases (rs148083457, ExAC 0.01%). This variant has not been reported in the literature in individuals affected with PIGV-related conditions. Algorithms developed to predict the effect of missense changes on protein structure and function (SIFT, PolyPhen-2, Align-GVGD) all suggest that this variant is likely to be tolerated. In summary, the available evidence is currently insufficient to determine the role of this variant in disease. Therefore, it has been classified as a Variant of Uncertain Significance.

NM_017837.4(PIGV):c.731C>T (p.Ser244Leu)

Gene: PIGV (phosphatidylinositol glycan anchor biosynthesis class V; plus strand). Cytogenetic location: 1p36.11.
Variant type: single nucleotide variant.
Coding change: c.731C>T on transcript NM_017837.4 (MANE Select); coding-DNA position 731, C replaced by T.
Protein change: p.Ser244Leu; replaces serine 244 with leucine.
Molecular consequence: missense variant. On other transcripts: non-coding transcript variant (1), intron variant (3).
Genome position (GRCh38, 1-based): chr1:26,794,765, C>T. VCF-style: chr1-26794765-C-T. GRCh37 (hg19) VCF-style: chr1-27121256-C-T.
Other names: c.731C>T, p.Ser244Leu (NM_001202554.2, NM_001374478.1, NM_001374480.1 and 2 more transcripts); c.350C>T, p.Ser117Leu (NM_001374483.1); c.173-69C>T (NM_001374484.1, NM_001374485.1); c.79-2798C>T (NM_001374486.1); short protein forms S117L, S244L.
Identifiers: ClinVar variation 1356403 (VCV001356403.3), dbSNP rs148083457, ClinGen allele CA708104.